The following is an entry in ClinVar:

ClinVar aggregate classification (germline): Uncertain significance (1 of 4 stars; one submission).

Conditions:
3-hydroxy-3-methylglutaryl-CoA synthase deficiency (HMGCS2D). Also called: HMG-CoA synthase-2 deficiency; HMGCS2 DEFICIENCY; MITOCHONDRIAL HMG-CoA SYNTHASE DEFICIENCY. Identifiers: Orphanet 35701, MedGen C2751532, MONDO:0011614, OMIM 605911.

Submission:

Labcorp Genetics (formerly Invitae), Labcorp
Classification: Uncertain significance for 3-hydroxy-3-methylglutaryl-CoA synthase deficiency. Last evaluated: 2025-05-13. Review status: criteria provided, single submitter. Criteria: Invitae Variant Classification Sherloc (09022015). Collection method: clinical testing. Allele origin: germline.
Comment: This sequence change replaces cysteine, which is neutral and slightly polar, with glycine, which is neutral and non-polar, at codon 194 of the HMGCS2 protein (p.Cys194Gly). This variant is not present in population databases (gnomAD no frequency). This variant has not been reported in the literature in individuals affected with HMGCS2-related conditions. Invitae Evidence Modeling of protein sequence and biophysical properties (such as structural, functional, and spatial information, amino acid conservation, physicochemical variation, residue mobility, and thermodynamic stability) indicates that this missense variant is not expected to disrupt HMGCS2 protein function with a negative predictive value of 80%. In summary, the available evidence is currently insufficient to determine the role of this variant in disease. Therefore, it has been classified as a Variant of Uncertain Significance.

NM_005518.4(HMGCS2):c.580T>G (p.Cys194Gly)

Gene: HMGCS2 (3-hydroxy-3-methylglutaryl-CoA synthase 2; minus strand). Cytogenetic location: 1p12.
Variant type: single nucleotide variant.
Coding change: c.580T>G on transcript NM_005518.4 (MANE Select); coding-DNA position 580, T replaced by G.
Protein change: p.Cys194Gly; replaces cysteine 194 with glycine.
Molecular consequence: missense variant. On other transcripts: intron variant (1).
Genome position (GRCh38, 1-based): chr1:119,759,969, A>C on the plus strand (T>G on the coding strand, the complement: HMGCS2 is on the minus strand). VCF-style: chr1-119759969-A-C. GRCh37 (hg19) VCF-style: chr1-120302592-A-C.
Other names: c.560-687T>G (NM_001166107.1); short protein forms C194G.
Identifiers: ClinVar variation 4741267 (VCV004741267.1).